The following is an entry in ClinVar:

ClinVar aggregate classification (germline): Likely benign. Review status: criteria provided, multiple submitters, no conflicts (2 of 4 stars). 2 submissions from 2 submitters: Likely benign (2). Last evaluated 2026-09-24.

Conditions:
PLEC-related disorder. Also called: PLEC-related disorders; PLEC-related condition.
Epidermolysis bullosa simplex with nail dystrophy (EBS5D). Identifiers: MedGen C4225309, MONDO:0014661, OMIM 616487.
Epidermolysis bullosa simplex 5B, with muscular dystrophy (EBS5B). Also called: Epidermolysis bullosa simplex with muscular dystrophy; EPIDERMOLYSIS BULLOSA SIMPLEX AND LIMB-GIRDLE MUSCULAR DYSTROPHY. Identifiers: Orphanet 257, MedGen C2931072, MONDO:0009181, OMIM 226670.
Autosomal recessive limb-girdle muscular dystrophy type 2Q (LGMDR17). Also called: MUSCULAR DYSTROPHY, LIMB-GIRDLE, AUTOSOMAL RECESSIVE 17. Identifiers: Orphanet 254361, MedGen C3150989, MONDO:0013390, OMIM 613723.
Epidermolysis bullosa simplex 5C, with pyloric atresia (EBS5C). Also called: PLEC-Related Epidermolysis Bullosa with Pyloric Atresia; Epidermolysis bullosa simplex with pyloric atresia; PLEC1-Related Epidermolysis Bullosa with Pyloric Atresia. Identifiers: Orphanet 158684, MedGen C2677349, MONDO:0012807, OMIM 612138.
Epidermolysis bullosa simplex, Ogna type (EBS5A). Also called: Pidermolysis bullosa simplex 5A, Ogna type; EPIDERMOLYSIS BULLOSA SIMPLEX 5A, OGNA TYPE. Identifiers: Orphanet 79401, MedGen C0432317, MONDO:0007555, OMIM 131950.

Allele frequency attached by ClinVar (database versions not stated): gnomAD 0.00001 and 0.00002; TOPMed 0.00001; ExAC 0.00002; gnomAD exomes 0.00003; 1000 Genomes Project 30x 0.00016; 1000 Genomes Project 0.00020.
gnomAD v4.1: 16 of 1,599,632 alleles (0.001%); highest among the groups gnomAD compares: East Asian, 0.031%; no homozygotes.

Submissions (2):

PreventionGenetics, part of Exact Sciences
Classification: Likely benign for PLEC-related condition. Last evaluated: 2026-09-24. Review status: criteria provided, single submitter. Criteria: ACMG Guidelines, 2015. Collection method: clinical testing. Allele origin: germline.
Comment: This variant is classified as likely benign based on ACMG/AMP sequence variant interpretation guidelines (Richards et al. 2015 PMID: 25741868, with internal and published modifications).

Labcorp Genetics (formerly Invitae), Labcorp
Classification: Likely benign for Autosomal recessive limb-girdle muscular dystrophy type 2Q; Epidermolysis bullosa simplex, Ogna type; Epidermolysis bullosa simplex with nail dystrophy; Epidermolysis bullosa simplex 5C, with pyloric atresia; Epidermolysis bullosa simplex 5B, with muscular dystrophy. Last evaluated: 2023-08-04. Review status: criteria provided, single submitter. Criteria: Invitae Variant Classification Sherloc (09022015). Collection method: clinical testing. Allele origin: germline.

NM_201384.3(PLEC):c.2740-7C>T

Gene: PLEC (plectin; minus strand). Cytogenetic location: 8q24.3.
Variant type: single nucleotide variant.
Coding change: c.2740-7C>T on transcript NM_201384.3 (MANE Select); 7 bases into the intron before coding-DNA position 2740, C replaced by T.
Molecular consequence: intron variant.
Genome position (GRCh38, 1-based): chr8:143,929,836, G>A on the plus strand (C>T on the coding strand, the complement: PLEC is on the minus strand). VCF-style: chr8-143929836-G-A. GRCh37 (hg19) VCF-style: chr8-145004004-G-A.
Other names: c.2821-7C>T (NM_000445.5); c.2698-7C>T (NM_201378.4); c.2674-7C>T (NM_201379.3); c.3151-7C>T (NM_201380.4); c.2644-7C>T (NM_201381.3); c.2740-7C>T (NM_201382.4); c.2752-7C>T (NM_201383.3).
Identifiers: ClinVar variation 707422 (VCV000707422.8), dbSNP rs542039891, ClinGen allele CA4927353.